The following is an entry in ClinVar:

NM_022124.6(CDH23):c.7832_7833del (p.Phe2611fs)

Gene: CDH23 (cadherin related 23; plus strand). Cytogenetic location: 10q22.1.
Variant type: Deletion.
Coding change: c.7832_7833del on transcript NM_022124.6 (MANE Select); coding-DNA positions 7832 to 7833, 2 bases deleted (TT; older notation c.7832_7833delTT).
Protein change: p.Phe2611fs; shifts the reading frame from phenylalanine 2611.
Molecular consequence: frameshift variant.
Genome position (GRCh38, 1-based): chr10:71,803,380-71,803,381, TT deleted; deleting any 2 consecutive bases within chr10:71,803,379-71,803,381 gives the same sequence; the c. name uses the placement nearest the transcript's 3' end. VCF-style (leftmost placement, unchanged base first): chr10-71803378-CTT-C. GRCh37 (hg19) VCF-style: chr10-73563135-CTT-C.
Other names: c.1112_1113del, p.Phe371fs (NM_001171933.1, NM_001171934.1); short protein forms F2611fs, F371fs.
Identifiers: ClinVar variation 2013513 (VCV002013513.4), dbSNP rs1216140697, ClinGen allele CA594706196.

ClinVar aggregate classification (germline): Pathogenic (1 of 4 stars; one submission).

Submission:

Labcorp Genetics (formerly Invitae), Labcorp
Classification: Pathogenic. Last evaluated: 2023-12-21. Review status: criteria provided, single submitter. Criteria: Invitae Variant Classification Sherloc (09022015). Collection method: clinical testing. Allele origin: germline.
Comment: This sequence change creates a premature translational stop signal (p.Phe2611Cysfs*31) in the CDH23 gene. It is expected to result in an absent or disrupted protein product. Loss-of-function variants in CDH23 are known to be pathogenic (PMID: 11138009, 21940737). This variant is present in population databases (no rsID available, gnomAD 0.01%). This variant has not been reported in the literature in individuals affected with CDH23-related conditions. ClinVar contains an entry for this variant (Variation ID: 2013513). For these reasons, this variant has been classified as Pathogenic.

Literature cited by the submitters: PubMed 11138009; PubMed 21940737.